The following is an entry in ClinVar:

NM_206933.4(USH2A):c.6925T>C (p.Cys2309Arg)

Gene: USH2A (usherin; minus strand). Cytogenetic location: 1q41.
Variant type: single nucleotide variant.
Coding change: c.6925T>C on transcript NM_206933.4 (MANE Select); coding-DNA position 6925, T replaced by C.
Protein change: p.Cys2309Arg; replaces cysteine 2309 with arginine.
Molecular consequence: missense variant.
Genome position (GRCh38, 1-based): chr1:215,970,657, A>G on the plus strand (T>C on the coding strand, the complement: USH2A is on the minus strand). VCF-style: chr1-215970657-A-G. GRCh37 (hg19) VCF-style: chr1-216143999-A-G.
Other names: c.6925T>C (NM_206933.2); short protein forms C2309R.
Identifiers: ClinVar variation 2734088 (VCV002734088.6), dbSNP rs772407116, ClinGen allele CA344853962.

ClinVar aggregate classification (germline): Conflicting classifications of pathogenicity. Review status: criteria provided, conflicting classifications (1 of 4 stars). 4 submissions from 4 submitters: Pathogenic (1); Likely pathogenic (2); Uncertain significance (1). Last evaluated 2025-12-15.

Conditions:
Retinitis pigmentosa 39 (RP39). Identifiers: Orphanet 791, MedGen C3151138, MONDO:0013436, OMIM 613809.
Usher syndrome type 2A. Also called: RETINAL DISEASE IN USHER SYNDROME TYPE IIA, MODIFIER OF; USHER SYNDROME, TYPE IIA. Identifiers: Orphanet 231178, Orphanet 886, MedGen C1848634, MONDO:0010169, OMIM 276901.

gnomAD v4.1: 5 of 1,613,698 alleles (0.00031%); highest among the groups gnomAD compares: Non-Finnish European, 0.00042%; no homozygotes.

Submissions (4):

Natera, Inc.
Classification: Likely pathogenic for Usher syndrome type 2A. Last evaluated: 2025-12-15. Review status: criteria provided, single submitter. Criteria: Natera Variant Classification Schema (03/2026). Collection method: clinical testing. Allele origin: germline.
Comment: The c.6925T>C variant in USH2A is a missense variant predicted to cause substitution of cysteine to arginine at amino acid 2309. This variant is rare in the general population with a frequency below the threshold expected for the associated phenotype(s). This variant has been observed in one or more individuals affected with the associated recessive disease, as either homozygous or compound heterozygous with a second variant (PMID: 36011334, 24265693). A different variant at the same position has been determined to be Pathogenic or Likely Pathogenic. Computational prediction algorithms indicate this variant is likely to affect gene or protein function. Given the available evidence, this variant is classified as Likely Pathogenic.

Labcorp Genetics (formerly Invitae), Labcorp
Classification: Pathogenic. Last evaluated: 2024-01-03. Review status: criteria provided, single submitter. Criteria: Invitae Variant Classification Sherloc (09022015). Collection method: clinical testing. Allele origin: germline.
Comment: This sequence change replaces cysteine, which is neutral and slightly polar, with arginine, which is basic and polar, at codon 2309 of the USH2A protein (p.Cys2309Arg). This variant is not present in population databases (gnomAD no frequency). This missense change has been observed in individual(s) with retinitis pigmentosa and/or Usher syndrome (PMID: 24265693, 36011334). Advanced modeling of protein sequence and biophysical properties (such as structural, functional, and spatial information, amino acid conservation, physicochemical variation, residue mobility, and thermodynamic stability) performed at Invitae indicates that this missense variant is expected to disrupt USH2A protein function with a positive predictive value of 95%. This variant disrupts the p.Cys2309 amino acid residue in USH2A. Other variant(s) that disrupt this residue have been determined to be pathogenic (PMID: 23591405, 26927203; Invitae). This suggests that this residue is clinically significant, and that variants that disrupt this residue are likely to be disease-causing. For these reasons, this variant has been classified as Pathogenic.

Baylor Genetics
Classification: Likely pathogenic for Retinitis pigmentosa 39. Last evaluated: 2023-11-29. Review status: criteria provided, single submitter. Criteria: ACMG Guidelines, 2015. Collection method: clinical testing. Allele origin: unknown.

Blueprint Genetics
Classification: Uncertain significance. Last evaluated: 2019-11-01. Review status: criteria provided, single submitter. Criteria: ACMG Guidelines, 2015. Collection method: clinical testing. Allele origin: germline.

Literature cited by the submitters: PubMed 36011334 (cited by Natera, Inc. and Labcorp Genetics (formerly Invitae), Labcorp); PubMed 24265693 (cited by Natera, Inc. and Labcorp Genetics (formerly Invitae), Labcorp); PubMed 23591405 (cited by Labcorp Genetics (formerly Invitae), Labcorp); PubMed 26927203 (cited by Labcorp Genetics (formerly Invitae), Labcorp).